The following is an entry in ClinVar:

NM_005219.5(DIAPH1):c.1927C>A (p.Pro643Thr)

Gene: DIAPH1 (diaphanous related formin 1; minus strand). Cytogenetic location: 5q31.3.
Variant type: single nucleotide variant.
Coding change: c.1927C>A on transcript NM_005219.5 (MANE Select); coding-DNA position 1927, C replaced by A.
Protein change: p.Pro643Thr; replaces proline 643 with threonine.
Molecular consequence: missense variant.
Genome position (GRCh38, 1-based): chr5:141,573,923, G>T on the plus strand (C>A on the coding strand, the complement: DIAPH1 is on the minus strand). VCF-style: chr5-141573923-G-T. GRCh37 (hg19) VCF-style: chr5-140953490-G-T.
Other names: c.1900C>A, p.Pro634Thr (NM_001079812.3); c.1927C>A, p.Pro643Thr (NM_001314007.2); short protein forms P643T, P634T.
Identifiers: ClinVar variation 1410321 (VCV001410321.8), dbSNP rs768458531, ClinGen allele CA361519996.
Genomic context (GRCh38, chr5:141,573,923, plus strand): 5'-TGCCAACACCCTCAGGCAAAGGAGGGGGTGGAGGGATGGTAGCATCCCCAGACAAAGGAG[G>T]GGGTGGAGAGATAGCAGTACCTCCAGGTAAAGAAGGGGGTGAGGAGATGCAAACACCCCC-3'
Protein context (NP_005210.3, residues 633-653): LPGGTAISPP[Pro643Thr]PLSGDATIPP

ClinVar aggregate classification (germline): Uncertain significance (1 of 4 stars; one submission).

Conditions:
Autosomal dominant nonsyndromic hearing loss 1. Also called: KONIGSMARK SYNDROME; DEAFNESS, AUTOSOMAL DOMINANT 1, WITH OR WITHOUT THROMBOCYTOPENIA. Identifiers: Orphanet 90635, MedGen C1852282, MONDO:0007424, OMIM 124900.
Progressive microcephaly-seizures-cortical blindness-developmental delay syndrome. Also called: Seizures, cortical blindness, and microcephaly syndrome. Identifiers: Orphanet 477814, MedGen C5567650, MONDO:0014714, OMIM 616632.

gnomAD v4.1: 23 of 1,552,492 alleles (0.0015%); highest among the groups gnomAD compares: African/African-American, 0.011%; no homozygotes.

Submission:

Labcorp Genetics (formerly Invitae), Labcorp
Classification: Uncertain significance for Progressive microcephaly-seizures-cortical blindness-developmental delay syndrome; Autosomal dominant nonsyndromic hearing loss 1. Last evaluated: 2025-12-20. Review status: criteria provided, single submitter. Criteria: Invitae Variant Classification Sherloc (09022015). Collection method: clinical testing. Allele origin: germline.
Comment: This sequence change replaces proline, which is neutral and non-polar, with threonine, which is neutral and polar, at codon 643 of the DIAPH1 protein (p.Pro643Thr). This variant is not present in population databases (gnomAD no frequency). This variant has not been reported in the literature in individuals affected with DIAPH1-related conditions. ClinVar contains an entry for this variant (Variation ID: 1410321). Experimental studies and prediction algorithms are not available or were not evaluated, and the functional significance of this variant is currently unknown. In summary, the available evidence is currently insufficient to determine the role of this variant in disease. Therefore, it has been classified as a Variant of Uncertain Significance.